The following is an entry in ClinVar:

ClinVar aggregate classification (germline): Uncertain significance. Review status: criteria provided, multiple submitters, no conflicts (2 of 4 stars). 2 submissions from 2 submitters: Uncertain significance (2). Last evaluated 2025-08-22.

Conditions:
Brugada syndrome. Also called: Sudden Unexplained Death Syndrome; Sudden Unexplained Nocturnal Death Syndrome (SUNDS); Sudden unexplained nocturnal death syndrome; Sudden unexpected nocturnal death syndrome. Identifiers: Orphanet 130, MedGen C1142166, MONDO:0015263.

Allele frequency attached by ClinVar (database versions not stated): gnomAD 0.00001; TOPMed below 0.00001.
gnomAD v4.1: 2 of 1,614,058 alleles (0.00012%); highest among the groups gnomAD compares: Non-Finnish European, 0.00017%; no homozygotes.

Submissions (2):

Labcorp Genetics (formerly Invitae), Labcorp
Classification: Uncertain significance for Brugada syndrome. Last evaluated: 2025-08-22. Review status: criteria provided, single submitter. Criteria: Invitae Variant Classification Sherloc (09022015). Collection method: clinical testing. Allele origin: germline.
Comment: This sequence change replaces valine, which is neutral and non-polar, with phenylalanine, which is neutral and non-polar, at codon 577 of the SLMAP protein (p.Val577Phe). This variant is present in population databases (no rsID available, gnomAD 0.007%). This variant has not been reported in the literature in individuals affected with SLMAP-related conditions. ClinVar contains an entry for this variant (Variation ID: 2562996). An algorithm developed to predict the effect of missense changes on protein structure and function (PolyPhen-2) suggests that this variant is likely to be tolerated. In summary, the available evidence is currently insufficient to determine the role of this variant in disease. Therefore, it has been classified as a Variant of Uncertain Significance.

Ambry Genetics
Classification: Uncertain significance. Last evaluated: 2023-06-03. Review status: criteria provided, single submitter. Criteria: Ambry Variant Classification Scheme 2023. Collection method: clinical testing. Allele origin: germline.
Comment: The p.V577F variant (also known as c.1729G>T), located in coding exon 17 of the SLMAP gene, results from a G to T substitution at nucleotide position 1729. The valine at codon 577 is replaced by phenylalanine, an amino acid with highly similar properties. This amino acid position is conserved. In addition, this alteration is predicted to be tolerated by in silico analysis. Since supporting evidence is limited at this time, the clinical significance of this alteration remains unclear.

NM_001377540.1(SLMAP):c.1831G>T (p.Val611Phe)

Gene: SLMAP (sarcolemma associated protein; plus strand). Cytogenetic location: 3p14.3.
Variant type: single nucleotide variant.
Coding change: c.1831G>T on transcript NM_001377540.1 (MANE Select); coding-DNA position 1831, G replaced by T.
Protein change: p.Val611Phe; replaces valine 611 with phenylalanine.
Molecular consequence: missense variant. On other transcripts: non-coding transcript variant (1).
Genome position (GRCh38, 1-based): chr3:57,912,512, G>T. VCF-style: chr3-57912512-G-T. GRCh37 (hg19) VCF-style: chr3-57898239-G-T.
Other names: c.1606G>T, p.Val536Phe (NM_001377923.1); c.1594G>T, p.Val532Phe (NM_001377924.1); c.1543G>T, p.Val515Phe (NM_001377925.1); c.259G>T, p.Val87Phe (NM_001377926.1, NM_001377927.1, NM_001377928.1 and 1 more transcripts); c.1729G>T, p.Val577Phe (NM_007159.5, NM_001377549.1); c.1831G>T, p.Val611Phe (NM_001377539.1); c.1780G>T, p.Val594Phe (NM_001377541.1, NM_001377542.1, NM_001304420.3); c.1768G>T, p.Val590Phe (NM_001377545.1); and 8 more; short protein forms V128F, V553F, V594F, V87F, V515F, V532F, V536F, V549F.
Identifiers: ClinVar variation 2562996 (VCV002562996.5), dbSNP rs1300838213, ClinGen allele CA353408479.